The following is an entry in ClinVar:

NM_001142800.2(EYS):c.533dup (p.Ser179fs)

Gene: EYS (EGF-like photoreceptor maintenance factor; minus strand). Cytogenetic location: 6q12.
Variant type: Duplication.
Coding change: c.533dup on transcript NM_001142800.2 (MANE Select); coding-DNA position 533, one base duplicated (T; older notation c.533dupT).
Protein change: p.Ser179fs; shifts the reading frame from serine 179.
Molecular consequence: frameshift variant.
Genome position (GRCh38, 1-based): chr6:65,494,878, A duplicated on the plus strand (T on the coding strand, the reverse complement: EYS is on the minus strand). VCF-style (leftmost placement, unchanged base first): chr6-65494877-C-CA. GRCh37 (hg19) VCF-style: chr6-66204770-C-CA.
Other names: c.533dup, p.Ser179fs (NM_001142801.2, NM_001292009.2, NM_198283.2); short protein forms S179fs.
Identifiers: ClinVar variation 1068815 (VCV001068815.7), dbSNP rs2127271125, ClinGen allele CA2499218501.

ClinVar aggregate classification (germline): Pathogenic (1 of 4 stars; one submission).

Submission:

Labcorp Genetics (formerly Invitae), Labcorp
Classification: Pathogenic. Last evaluated: 2022-09-13. Review status: criteria provided, single submitter. Criteria: Invitae Variant Classification Sherloc (09022015). Collection method: clinical testing. Allele origin: germline.
Comment: This sequence change creates a premature translational stop signal (p.Ser179Glufs*10) in the EYS gene. It is expected to result in an absent or disrupted protein product. Loss-of-function variants in EYS are known to be pathogenic (PMID: 18836446, 20333770). This variant is not present in population databases (gnomAD no frequency). This variant has not been reported in the literature in individuals affected with EYS-related conditions. ClinVar contains an entry for this variant (Variation ID: 1068815). For these reasons, this variant has been classified as Pathogenic.

Literature cited by the submitters: PubMed 18836446; PubMed 20333770.